The following is an entry in ClinVar:

NM_017813.5(BPNT2):c.939G>A (p.Gly313=)

Gene: BPNT2 (3'(2'), 5'-bisphosphate nucleotidase 2; minus strand). Cytogenetic location: 8q12.1.
Variant type: single nucleotide variant.
Coding change: c.939G>A on transcript NM_017813.5 (MANE Select); coding-DNA position 939, G replaced by A.
Protein change: p.Gly313=; no amino-acid change (glycine 313 retained).
Molecular consequence: synonymous variant.
Genome position (GRCh38, 1-based): chr8:56,963,934, C>T on the plus strand (G>A on the coding strand, the complement: BPNT2 is on the minus strand). VCF-style: chr8-56963934-C-T. GRCh37 (hg19) VCF-style: chr8-57876493-C-T.
Identifiers: ClinVar variation 363404 (VCV000363404.17), dbSNP rs112201304, ClinGen allele CA4755771.

ClinVar aggregate classification (germline): Benign/Likely benign. Review status: criteria provided, multiple submitters, no conflicts (2 of 4 stars). 4 submissions from 4 submitters: Benign (1); Likely benign (2). 1 of the submissions does not count toward it. Last evaluated 2026-01-06.

Conditions:
BPNT2-related disorder. Also called: BPNT2-related condition.
Chondrodysplasia with joint dislocations, gPAPP type. Also called: GPAPP DEFICIENCY. Identifiers: Orphanet 280586, MedGen C3279757, MONDO:0013561, OMIM 614078.

Allele frequency attached by ClinVar (database versions not stated): gnomAD exomes 0.00048; ExAC 0.00062; 1000 Genomes Project 0.00180; gnomAD 0.00184 and 0.00193; 1000 Genomes Project 30x 0.00187; TOPMed 0.00193; ESP Exome Variant Server 0.00200.
gnomAD v4.1: 554 of 1,613,984 alleles (0.034%); highest among the groups gnomAD compares: African/African-American, 0.62%; 2 homozygotes.

Submissions (4):

Labcorp Genetics (formerly Invitae), Labcorp
Classification: Benign. Last evaluated: 2026-01-06. Review status: criteria provided, single submitter. Criteria: Invitae Variant Classification Sherloc (09022015). Collection method: clinical testing. Allele origin: germline.

Blueprint Genetics
Classification: Likely benign. Last evaluated: 2024-11-25. Review status: criteria provided, single submitter. Criteria: ACMG Guidelines, 2015. Collection method: clinical testing. Allele origin: germline.

Illumina Laboratory Services, Illumina
Classification: Likely benign for Chondrodysplasia with joint dislocations, gPAPP type. Last evaluated: 2018-01-12. Review status: criteria provided, single submitter. Criteria: ICSL Variant Classification Criteria 13 December 2019. Collection method: clinical testing. Allele origin: germline.
Comment: This variant was observed in the ICSL laboratory as part of a predisposition screen in an ostensibly healthy population. It had not been previously curated by ICSL or reported in the Human Gene Mutation Database (HGMD: prior to June 1st, 2018), and was therefore a candidate for classification through an automated scoring system. Utilizing variant allele frequency, disease prevalence and penetrance estimates, and inheritance mode, an automated score was calculated to assess if this variant is too frequent to cause the disease. Based on the score and internal cut-off values, a variant classified as likely benign is not then subjected to further curation. The score for this variant resulted in a classification of likely benign for this disease.

PreventionGenetics, part of Exact Sciences
Classification: Likely benign for BPNT2-related condition. Last evaluated: 2024-01-24. Review status: no assertion criteria provided. Collection method: clinical testing. Allele origin: germline. Not counted in ClinVar's aggregate classification.
Comment: This variant is classified as likely benign based on ACMG/AMP sequence variant interpretation guidelines (Richards et al. 2015 PMID: 25741868, with internal and published modifications).